The following is an entry in ClinVar:

ClinVar aggregate classification (germline): Uncertain significance (1 of 4 stars; one submission).

Conditions:
Hereditary cancer-predisposing syndrome. Also called: Hereditary neoplastic syndrome; Tumor predisposition; Hereditary Cancer Syndrome; Neoplastic Syndromes, Hereditary. Identifiers: Orphanet 140162, MedGen C0027672, MeSH D009386, MONDO:0015356.

Submission:

Ambry Genetics
Classification: Uncertain significance for Hereditary cancer-predisposing syndrome. Last evaluated: 2023-07-26. Review status: criteria provided, single submitter. Criteria: Ambry Variant Classification Scheme 2023. Collection method: clinical testing. Allele origin: germline.
Comment: The p.D168E variant (also known as c.504T>A), located in coding exon 3 of the NTHL1 gene, results from a T to A substitution at nucleotide position 504. The aspartic acid at codon 168 is replaced by glutamic acid, an amino acid with highly similar properties. This amino acid position is conserved. In addition, the in silico prediction for this alteration is inconclusive. Since supporting evidence is limited at this time, the clinical significance of this alteration remains unclear.

NM_002528.7(NTHL1):c.480T>A (p.Asp160Glu)

Gene: NTHL1 (nth like DNA glycosylase 1; minus strand). Cytogenetic location: 16p13.3.
Variant type: single nucleotide variant.
Coding change: c.480T>A on transcript NM_002528.7 (MANE Select); coding-DNA position 480, T replaced by A.
Protein change: p.Asp160Glu; replaces aspartic acid 160 with glutamic acid.
Molecular consequence: missense variant. On other transcripts: intron variant (1).
Genome position (GRCh38, 1-based): chr16:2,044,675, A>T on the plus strand (T>A on the coding strand, the complement: NTHL1 is on the minus strand). VCF-style: chr16-2044675-A-T. GRCh37 (hg19) VCF-style: chr16-2094676-A-T.
Other names: c.150T>A, p.Asp50Glu (NM_001318194.2); c.355-949T>A (NM_001318193.2); short protein forms D160E, D50E.
Identifiers: ClinVar variation 2586098 (VCV002586098.2), dbSNP rs2548316203, ClinGen allele CA394294186.